The following is an entry in ClinVar:

ClinVar aggregate classification (germline): Pathogenic (1 of 4 stars; one submission).

Submission:

GeneDx
Classification: Pathogenic. Last evaluated: 2025-09-26. Review status: criteria provided, single submitter. Criteria: GeneDx Variant Classification Process June 2021. Collection method: clinical testing. Allele origin: germline. Affected: yes.
Comment: Nonsense variant predicted to result in protein truncation or nonsense mediated decay in a gene for which loss of function is a known mechanism of disease; Not observed at significant frequency in large population cohorts (gnomAD); Has not been previously published as pathogenic or benign to our knowledge; This variant is associated with the following publications: (PMID: 31898322)

NM_003239.5(TGFB3):c.1020T>A (p.Tyr340Ter)

Gene: TGFB3 (transforming growth factor beta 3; minus strand). Cytogenetic location: 14q24.3.
Variant type: single nucleotide variant.
Coding change: c.1020T>A on transcript NM_003239.5 (MANE Select); coding-DNA position 1020, T replaced by A.
Protein change: p.Tyr340Ter; replaces tyrosine 340 with a stop codon.
Molecular consequence: nonsense.
Genome position (GRCh38, 1-based): chr14:75,960,983, A>T on the plus strand (T>A on the coding strand, the complement: TGFB3 is on the minus strand). VCF-style: chr14-75960983-A-T. GRCh37 (hg19) VCF-style: chr14-76427326-A-T.
Other names: c.1020T>A, p.Tyr340Ter (NM_001329939.2); short protein forms Y340*.
Identifiers: ClinVar variation 432675 (VCV000432675.5), dbSNP rs778990969, ClinGen allele CA390467810.